The following is an entry in ClinVar:

NM_018180.3(DHX32):c.1162C>T (p.Arg388Cys)

Genes: BCCIP (BRCA2 and CDKN1A interacting protein; plus strand), DHX32 (DEAH-box helicase 32 (putative); minus strand). Cytogenetic location: 10q26.2.
Variant type: single nucleotide variant.
Coding change: c.1162C>T on transcript NM_018180.3 (MANE Select); coding-DNA position 1162, C replaced by T.
Protein change: p.Arg388Cys; replaces arginine 388 with cysteine.
Molecular consequence: missense variant. On other transcripts: intron variant (1).
Genome position (GRCh38, 1-based): chr10:125,852,573, G>A on the plus strand (C>T on the coding strand, the complement: DHX32 is on the minus strand). VCF-style: chr10-125852573-G-A. GRCh37 (hg19) VCF-style: chr10-127541142-G-A.
Other names: c.851-552G>A (NM_016567.4); short protein forms R388C.
Identifiers: ClinVar variation 4692498 (VCV004692498.1).

ClinVar aggregate classification (germline): Uncertain significance (1 of 4 stars; one submission).

gnomAD v4.1: 8 of 1,613,686 alleles (0.0005%); highest among the groups gnomAD compares: African/African-American, 0.0013%; no homozygotes.

Submission:

Labcorp Genetics (formerly Invitae), Labcorp
Classification: Uncertain significance. Last evaluated: 2025-04-21. Review status: criteria provided, single submitter. Criteria: Invitae Variant Classification Sherloc (09022015). Collection method: clinical testing. Allele origin: germline.
Comment: This sequence change replaces arginine, which is basic and polar, with cysteine, which is neutral and slightly polar, at codon 388 of the DHX32 protein (p.Arg388Cys). This variant is present in population databases (no rsID available, gnomAD 0.0009%). This variant has not been reported in the literature in individuals affected with DHX32-related conditions. An algorithm developed to predict the effect of missense changes on protein structure and function (PolyPhen-2) suggests that this variant is likely to be disruptive. In summary, the available evidence is currently insufficient to determine the role of this variant in disease. Therefore, it has been classified as a Variant of Uncertain Significance.